The following is an entry in ClinVar:

NM_005535.3(IL12RB1):c.109C>A (p.Pro37Thr)

Gene: IL12RB1 (interleukin 12 receptor subunit beta 1; minus strand). Cytogenetic location: 19p13.11.
Variant type: single nucleotide variant.
Coding change: c.109C>A on transcript NM_005535.3 (MANE Select); coding-DNA position 109, C replaced by A.
Protein change: p.Pro37Thr; replaces proline 37 with threonine.
Molecular consequence: missense variant.
Genome position (GRCh38, 1-based): chr19:18,083,447, G>T on the plus strand (C>A on the coding strand, the complement: IL12RB1 is on the minus strand). VCF-style: chr19-18083447-G-T. GRCh37 (hg19) VCF-style: chr19-18194257-G-T.
Other names: c.109C>A, p.Pro37Thr (NM_001290023.2, NM_153701.3); c.229C>A, p.Pro77Thr (NM_001290024.2); short protein forms P37T, P77T.
Identifiers: ClinVar variation 1391384 (VCV001391384.8), dbSNP rs754187694, ClinGen allele CA9305359.

ClinVar aggregate classification (germline): Uncertain significance (1 of 4 stars; one submission).

Conditions:
Mendelian susceptibility to mycobacterial diseases due to complete IL12RB1 deficiency. Also called: IL12RB1 DEFICIENCY; Immunodeficiency 30. Identifiers: Orphanet 319552, MedGen C4013949, MONDO:0013955, OMIM 614891.

Allele frequency attached by ClinVar (database versions not stated): gnomAD exomes below 0.00001; TOPMed below 0.00001; ExAC 0.00001; gnomAD 0.00001.
gnomAD v4.1: 55 of 1,613,910 alleles (0.0034%); highest among the groups gnomAD compares: East Asian, 0.12%; 2 homozygotes.

Submission:

Labcorp Genetics (formerly Invitae), Labcorp
Classification: Uncertain significance for Mendelian susceptibility to mycobacterial diseases due to complete IL12RB1 deficiency. Last evaluated: 2022-12-06. Review status: criteria provided, single submitter. Criteria: Invitae Variant Classification Sherloc (09022015). Collection method: clinical testing. Allele origin: germline.
Comment: In summary, the available evidence is currently insufficient to determine the role of this variant in disease. Therefore, it has been classified as a Variant of Uncertain Significance. This sequence change replaces proline, which is neutral and non-polar, with threonine, which is neutral and polar, at codon 37 of the IL12RB1 protein (p.Pro37Thr). This variant is present in population databases (rs754187694, gnomAD 0.006%). This variant has not been reported in the literature in individuals affected with IL12RB1-related conditions. ClinVar contains an entry for this variant (Variation ID: 1391384). Algorithms developed to predict the effect of missense changes on protein structure and function (SIFT, PolyPhen-2, Align-GVGD) all suggest that this variant is likely to be tolerated. Algorithms developed to predict the effect of sequence changes on RNA splicing suggest that this variant may disrupt the consensus splice site.